The following is an entry in ClinVar:

NM_033380.3(COL4A5):c.3808+7C>T

Gene: COL4A5 (collagen type IV alpha 5 chain; plus strand). Cytogenetic location: Xq22.3.
Variant type: single nucleotide variant.
Coding change: c.3808+7C>T on transcript NM_033380.3 (MANE Select); 7 bases into the intron after coding-DNA position 3808, C replaced by T.
Molecular consequence: intron variant.
Genome position (GRCh38, 1-based): chrX:108,674,760, C>T. VCF-style: chrX-108674760-C-T. GRCh37 (hg19) VCF-style: chrX-107917990-C-T.
Other names: c.3791-2740C>T (NM_000495.5); c.3808+7C>T (NM_033380.2).
Identifiers: ClinVar variation 1206073 (VCV001206073.37), dbSNP rs371130625, ClinGen allele CA10489203.

ClinVar aggregate classification (germline): Likely benign. Review status: criteria provided, multiple submitters, no conflicts (2 of 4 stars). 7 submissions from 7 submitters: Likely benign (2). 5 of the submissions do not count toward it. Last evaluated 2024-11-21.

Conditions:
COL4A5-related disorder. Also called: COL4A5-related condition.

Allele frequency attached by ClinVar (database versions not stated): gnomAD exomes 0.00041; 1000 Genomes Project 30x 0.00042; ExAC 0.00046; gnomAD 0.00064 and 0.00066; ESP Exome Variant Server 0.00066.
gnomAD v4.1: 952 of 1,172,061 alleles (0.081%); highest among the groups gnomAD compares: Non-Finnish European, 0.11%; no homozygotes.

Submissions (7):

Blueprint Genetics
Classification: Likely benign. Last evaluated: 2024-11-21. Review status: criteria provided, single submitter. Criteria: ACMG Guidelines, 2015. Collection method: clinical testing. Allele origin: germline.

CeGaT Center for Human Genetics Tuebingen
Classification: Likely benign. Last evaluated: 2023-12-01. Review status: criteria provided, single submitter. Criteria: CeGaT Center For Human Genetics Tuebingen Variant Classification Criteria Version 2. Collection method: clinical testing. Allele origin: germline. Affected: yes. Observed: 3 variant alleles.
Comment: COL4A5: BP4, BS2

PreventionGenetics, part of Exact Sciences
Classification: Likely benign for COL4A5-related condition. Last evaluated: 2020-10-15. Review status: no assertion criteria provided. Collection method: clinical testing. Allele origin: germline. Not counted in ClinVar's aggregate classification.
Comment: This variant is classified as likely benign based on ACMG/AMP sequence variant interpretation guidelines (Richards et al. 2015 PMID: 25741868, with internal and published modifications).

Clinical Genetics DNA and cytogenetics Diagnostics Lab, Erasmus MC, Erasmus Medical Center
Classification: Likely benign. Review status: no assertion criteria provided. Collection method: clinical testing. Allele origin: germline. Affected: yes. Study: VKGL Data-share Consensus. Not counted in ClinVar's aggregate classification.

Genome Diagnostics Laboratory, University Medical Center Utrecht
Classification: Likely benign. Review status: no assertion criteria provided. Collection method: clinical testing. Allele origin: germline. Affected: yes. Study: VKGL Data-share Consensus. Not counted in ClinVar's aggregate classification.

Joint Genome Diagnostic Labs from Nijmegen and Maastricht, Radboudumc and MUMC+
Classification: Likely benign. Review status: no assertion criteria provided. Collection method: clinical testing. Allele origin: germline. Affected: yes. Study: VKGL Data-share Consensus. Not counted in ClinVar's aggregate classification.

Laboratory of Diagnostic Genome Analysis, Leiden University Medical Center (LUMC)
Classification: Likely benign. Review status: no assertion criteria provided. Collection method: clinical testing. Allele origin: germline. Affected: yes. Study: VKGL Data-share Consensus. Not counted in ClinVar's aggregate classification.